The following is an entry in ClinVar:

ClinVar aggregate classification (germline): Benign (0 of 4 stars; one submission).

Conditions:
LRIG1-related disorder. Also called: LRIG1-related condition.

Allele frequency attached by ClinVar (database versions not stated): gnomAD exomes 0.00361; ExAC 0.01108; gnomAD 0.03200; ESP Exome Variant Server 0.03398; 1000 Genomes Project 0.03534; TOPMed 0.03575; 1000 Genomes Project 30x 0.03857.
gnomAD v4.1: 10,333 of 1,613,786 alleles (0.64%); highest among the groups gnomAD compares: African/African-American, 11%; 465 homozygotes.

Submission:

PreventionGenetics, part of Exact Sciences
Classification: Benign for LRIG1-related condition. Last evaluated: 2019-02-18. Review status: no assertion criteria provided. Collection method: clinical testing. Allele origin: germline.
Comment: This variant is classified as benign based on ACMG/AMP sequence variant interpretation guidelines (Richards et al. 2015 PMID: 25741868, with internal and published modifications).

NM_015541.3(LRIG1):c.791+9G>A

Gene: LRIG1 (leucine rich repeats and immunoglobulin like domains 1; minus strand). Cytogenetic location: 3p14.1.
Variant type: single nucleotide variant.
Coding change: c.791+9G>A on transcript NM_015541.3 (MANE Select); 9 bases into the intron after coding-DNA position 791, G replaced by A.
Molecular consequence: intron variant.
Genome position (GRCh38, 1-based): chr3:66,412,862, C>T on the plus strand (G>A on the coding strand, the complement: LRIG1 is on the minus strand). VCF-style: chr3-66412862-C-T. GRCh37 (hg19) VCF-style: chr3-66463286-C-T.
Other names: c.11+9G>A (NM_001377345.1, NM_001377346.1); c.716+9G>A (NM_001377344.1).
Identifiers: ClinVar variation 3038350 (VCV003038350.2), dbSNP rs116629943, ClinGen allele CA2485063.